The following is an entry in ClinVar:

ClinVar aggregate classification (germline): Pathogenic (1 of 4 stars; one submission).

Conditions:
Anauxetic dysplasia. Identifiers: Orphanet 93347, MedGen C1846796, MONDO:0011773.

Submission:

Labcorp Genetics (formerly Invitae), Labcorp
Classification: Pathogenic for Anauxetic dysplasia. Last evaluated: 2021-07-06. Review status: criteria provided, single submitter. Criteria: Invitae Variant Classification Sherloc (09022015). Collection method: clinical testing. Allele origin: germline.
Comment: This variant occurs in the RMRP gene, which encodes an RNA molecule that does not result in a protein product. The frequency data for this variant in the population databases is considered unreliable, as metrics indicate insufficient coverage at this position in the ExAC database. This variant has been observed in individuals with clinical features of cartilage-hair hypoplasia (PMID: 16244706). Other insertions and duplications immediately upstream of the coding sequence have been reported in individuals affected with cartilage-hair hypoplasia-anauxetic dysplasia (CHH-AD) spectrum disorders (PMID: 16244706, 11207361, 12107819). While functional studies for this variant have not been reported, experimental analyses using patient derived cells, as well as in vitro transfection studies, have shown that promoter insertions result in silencing of RMRP transcription and reduced expression of the gene product (PMID: 11207361, 16254002). For these reasons, this variant has been classified as Pathogenic.

Literature cited by the submitters: PubMed 16244706; PubMed 11207361; PubMed 12107819; PubMed 16254002.

NC_000009.12:g.35658023_35658043dup

Gene: RMRP (RNA component of mitochondrial RNA processing endoribonuclease; minus strand). Cytogenetic location: 9p13.3.
Variant type: Duplication.
Genome position: GRCh38 VCF-style: chr9-35658022-T-TCCTCAGCTTCACAGAGTAGTA. GRCh37 (hg19) VCF-style: chr9-35658019-T-TCCTCAGCTTCACAGAGTAGTA.
Identifiers: ClinVar variation 1458758 (VCV001458758.6), dbSNP rs2131809737, ClinGen allele CA2573144651.
Genomic context (GRCh38, chr9:35,658,022, plus strand): 5'-AGGGGAGGAACAGAGTCCTCAGTGTGTAGCCTAGGATACAGGCCTTCAGCACGAACCACG[T>TCCTCAGCTTCACAGAGTAGTA]CCTCAGCTTCACAGAGTAGTATTTTATAGCCCTAAAGAAATTGTGTTTTATGATTAGGGT-3'